The following is an entry in ClinVar:

NM_001377229.1(DISP1):c.3229A>G (p.Ser1077Gly)

Gene: DISP1 (dispatched RND transporter family member 1; plus strand). Cytogenetic location: 1q41.
Variant type: single nucleotide variant.
Coding change: c.3229A>G on transcript NM_001377229.1 (MANE Select); coding-DNA position 3229, A replaced by G.
Protein change: p.Ser1077Gly; replaces serine 1077 with glycine.
Molecular consequence: missense variant.
Genome position (GRCh38, 1-based): chr1:223,004,626, A>G. VCF-style: chr1-223004626-A-G. GRCh37 (hg19) VCF-style: chr1-223177968-A-G.
Other names: c.2500A>G, p.Ser834Gly (NM_001350630.2); c.3229A>G, p.Ser1077Gly (NM_001369594.1, NM_001377228.1, NM_032890.5); short protein forms S1077G, S834G.
Identifiers: ClinVar variation 1308448 (VCV001308448.2), dbSNP rs2102805939, ClinGen allele CA344686032.

ClinVar aggregate classification (germline): Uncertain significance (1 of 4 stars; one submission).

Submission:

GeneDx
Classification: Uncertain significance. Last evaluated: 2019-04-08. Review status: criteria provided, single submitter. Criteria: GeneDx Variant Classification Process June 2021. Collection method: clinical testing. Allele origin: germline. Affected: yes.
Comment: Not observed in large population cohorts (Lek et al., 2016); In silico analysis, which includes protein predictors and evolutionary conservation, supports that this variant does not alter protein structure/function; Has not been previously published as pathogenic or benign to our knowledge